The following is an entry in ClinVar:

NM_017433.5(MYO3A):c.225C>A (p.His75Gln)

Gene: MYO3A (myosin IIIA; plus strand). Cytogenetic location: 10p12.1.
Variant type: single nucleotide variant.
Coding change: c.225C>A on transcript NM_017433.5 (MANE Select); coding-DNA position 225, C replaced by A.
Protein change: p.His75Gln; replaces histidine 75 with glutamine.
Molecular consequence: missense variant.
Genome position (GRCh38, 1-based): chr10:25,954,930, C>A. VCF-style: chr10-25954930-C-A. GRCh37 (hg19) VCF-style: chr10-26243859-C-A.
Other names: c.225C>A, p.His75Gln (NM_001368265.1); short protein forms H75Q.
Identifiers: ClinVar variation 1710795 (VCV001710795.3), dbSNP rs1029832706, ClinGen allele CA204352720.

ClinVar aggregate classification (germline): Uncertain significance. Review status: criteria provided, multiple submitters, no conflicts (2 of 4 stars). 2 submissions from 2 submitters: Uncertain significance (2). Last evaluated 2025-05-05.

Allele frequency attached by ClinVar (database versions not stated): gnomAD exomes 0.00001.
gnomAD v4.1: 7 of 1,612,336 alleles (0.00043%); highest among the groups gnomAD compares: Admixed American, 0.005%; no homozygotes.

Submissions (2):

Labcorp Genetics (formerly Invitae), Labcorp
Classification: Uncertain significance. Last evaluated: 2025-05-05. Review status: criteria provided, single submitter. Criteria: Invitae Variant Classification Sherloc (09022015). Collection method: clinical testing. Allele origin: germline.
Comment: This sequence change replaces histidine, which is basic and polar, with glutamine, which is neutral and polar, at codon 75 of the MYO3A protein (p.His75Gln). This variant is present in population databases (no rsID available, gnomAD 0.006%). This variant has not been reported in the literature in individuals affected with MYO3A-related conditions. ClinVar contains an entry for this variant (Variation ID: 1710795). An algorithm developed to predict the effect of missense changes on protein structure and function (PolyPhen-2) suggests that this variant is likely to be disruptive. In summary, the available evidence is currently insufficient to determine the role of this variant in disease. Therefore, it has been classified as a Variant of Uncertain Significance.

GeneDx
Classification: Uncertain significance. Last evaluated: 2022-04-14. Review status: criteria provided, single submitter. Criteria: GeneDx Variant Classification Process June 2021. Collection method: clinical testing. Allele origin: germline. Affected: yes.
Comment: In silico analysis supports that this missense variant has a deleterious effect on protein structure/function; Has not been previously published as pathogenic or benign to our knowledge